The following is an entry in ClinVar:

ClinVar aggregate classification (germline): Pathogenic. Review status: reviewed by expert panel (3 of 4 stars). 2 submissions from 2 submitters: Pathogenic (1). 1 of the submissions does not count toward it. Last evaluated 2016-10-18.

Conditions:
Breast-ovarian cancer, familial, susceptibility to, 1 (BROVCA1). Also called: BRCA1 Hereditary Breast and Ovarian Cancer; OVARIAN CANCER, SUSCEPTIBILITY TO. Identifiers: Orphanet 145, MedGen C2676676, MONDO:0011450, OMIM 604370. Disease mechanism: loss of function.

Submissions (2):

Evidence-based Network for the Interpretation of Germline Mutant Alleles (ENIGMA)
Classification: Pathogenic for Breast-ovarian cancer, familial, susceptibility to, 1. Last evaluated: 2016-10-18. Review status: reviewed by expert panel. Criteria: ENIGMA BRCA1/2 Classification Criteria (2015). Collection method: curation. Allele origin: germline.
Comment: Variant allele predicted to encode a truncated non-functional protein.

Consortium of Investigators of Modifiers of BRCA1/2 (CIMBA), c/o University of Cambridge
Classification: Pathogenic for Breast-ovarian cancer, familial, susceptibility to, 1. Last evaluated: 2015-10-02. Review status: criteria provided, single submitter. Criteria: CIMBA Mutation Classification guidelines May 2016. Collection method: clinical testing. Allele origin: germline. Not counted in ClinVar's aggregate classification.

NM_007294.4(BRCA1):c.3117_3120del (p.Ser1040fs)

Gene: BRCA1 (BRCA1 DNA repair associated; minus strand). Cytogenetic location: 17q21.31.
Variant type: Deletion.
Coding change: c.3117_3120del on transcript NM_007294.4 (MANE Select); coding-DNA positions 3117 to 3120, 4 bases deleted (CAGC; older notation c.3117_3120delCAGC).
Protein change: p.Ser1040fs; shifts the reading frame from serine 1040.
Molecular consequence: frameshift variant. On other transcripts: intron variant (137).
Genome position (GRCh38, 1-based): chr17:43,092,411-43,092,414, GCTG deleted on the plus strand (CAGC on the coding strand, the reverse complement: BRCA1 is on the minus strand); deleting any 4 consecutive bases within chr17:43,092,411-43,092,417 gives the same sequence; the c. name uses the placement nearest the transcript's 3' end. VCF-style (leftmost placement, unchanged base first): chr17-43092410-AGCTG-A. GRCh37 (hg19) VCF-style: chr17-41244427-AGCTG-A.
Other names: 3236delCAGC; c.2973_2976del, p.Ser992fs (NM_001407743.1, NM_001407744.1, NM_001407745.1 and 20 more transcripts); c.2976_2979del, p.Ser993fs (NM_001407750.1, NM_001407751.1, NM_001407752.1 and 29 more transcripts); c.2904_2907del, p.Ser969fs (NM_001407853.1, NM_001407894.1, NM_001407895.1 and 9 more transcripts); c.3117_3120del, p.Ser1040fs (NM_001407854.1, NM_001407858.1, NM_001407859.1 and 30 more transcripts); c.3114_3117del, p.Ser1039fs (NM_001407860.1, NM_001407861.1, NM_001407587.1 and 22 more transcripts); c.2916_2919del, p.Ser973fs (NM_001407862.1); c.2994_2997del, p.Ser999fs (NM_001407863.1, NM_001407919.1, NM_001407937.1 and 19 more transcripts); and 43 more; short protein forms S993fs, S1040fs, S1037fs, S872fs, S912fs, S913fs, S973fs, S999fs.
Identifiers: ClinVar variation 266337 (VCV000266337.6), dbSNP rs886040099, ClinGen allele CA10589782.